The following is an entry in ClinVar:

NM_001128148.3(TFRC):c.1447A>G (p.Asn483Asp)

Gene: TFRC (transferrin receptor; minus strand). Cytogenetic location: 3q29.
Variant type: single nucleotide variant.
Coding change: c.1447A>G on transcript NM_001128148.3 (MANE Select); coding-DNA position 1447, A replaced by G.
Protein change: p.Asn483Asp; replaces asparagine 483 with aspartic acid.
Molecular consequence: missense variant.
Genome position (GRCh38, 1-based): chr3:196,062,603, T>C on the plus strand (A>G on the coding strand, the complement: TFRC is on the minus strand). VCF-style: chr3-196062603-T-C. GRCh37 (hg19) VCF-style: chr3-195789474-T-C.
Other names: c.1447A>G, p.Asn483Asp (NM_003234.4); c.1204A>G, p.Asn402Asp (NM_001313965.2); c.601A>G, p.Asn201Asp (NM_001313966.2); short protein forms N483D, N201D, N402D.
Identifiers: ClinVar variation 3716470 (VCV003716470.2).

ClinVar aggregate classification (germline): Uncertain significance (1 of 4 stars; one submission).

Submission:

Labcorp Genetics (formerly Invitae), Labcorp
Classification: Uncertain significance. Last evaluated: 2024-12-04. Review status: criteria provided, single submitter. Criteria: Invitae Variant Classification Sherloc (09022015). Collection method: clinical testing. Allele origin: germline.
Comment: This sequence change replaces asparagine, which is neutral and polar, with aspartic acid, which is acidic and polar, at codon 483 of the TFRC protein (p.Asn483Asp). This variant is not present in population databases (gnomAD no frequency). This variant has not been reported in the literature in individuals affected with TFRC-related conditions. Invitae Evidence Modeling of protein sequence and biophysical properties (such as structural, functional, and spatial information, amino acid conservation, physicochemical variation, residue mobility, and thermodynamic stability) indicates that this missense variant is not expected to disrupt TFRC protein function with a negative predictive value of 80%. In summary, the available evidence is currently insufficient to determine the role of this variant in disease. Therefore, it has been classified as a Variant of Uncertain Significance.